The following is an entry in ClinVar:

ClinVar aggregate classification (germline): Uncertain significance. Review status: criteria provided, multiple submitters, no conflicts (2 of 4 stars). 2 submissions from 2 submitters: Uncertain significance (2). Last evaluated 2024-07-03.

Conditions:
Hereditary spastic paraplegia 11. Also called: Spastic Paraplegia 11; Spastic paraplegia, mental retardation and thin corpus callosum; Nakamura Osame syndrome; Autosomal recessive hereditary spastic paraplegia, mental impairment, and thin corpus callosum; SPASTIC PARAPLEGIA, AUTOSOMAL RECESSIVE, COMPLICATED, WITH THIN CORPUS CALLOSUM; SPASTIC PARAPLEGIA, AUTOSOMAL RECESSIVE, WITH MENTAL IMPAIRMENT AND THIN CORPUS CALLOSUM. Identifiers: Orphanet 2822, MedGen C1858479, MONDO:0011445, OMIM 604360.

Submissions (2):

Mayo Clinic Laboratories, Mayo Clinic
Classification: Uncertain significance. Last evaluated: 2024-07-03. Review status: criteria provided, single submitter. Criteria: ACMG Guidelines, 2015. Collection method: clinical testing. Allele origin: germline. Observed: 1 variant allele.
Comment: PM2

Labcorp Genetics (formerly Invitae), Labcorp
Classification: Uncertain significance for Hereditary spastic paraplegia 11. Last evaluated: 2022-02-22. Review status: criteria provided, single submitter. Criteria: Invitae Variant Classification Sherloc (09022015). Collection method: clinical testing. Allele origin: germline.
Comment: This variant, c.6508_6510del, results in the deletion of 1 amino acid(s) of the SPG11 protein (p.Asn2170del), but otherwise preserves the integrity of the reading frame. This variant is present in population databases (rs757237014, gnomAD 0.004%). This variant has not been reported in the literature in individuals affected with SPG11-related conditions. ClinVar contains an entry for this variant (Variation ID: 406522). Experimental studies and prediction algorithms are not available or were not evaluated, and the functional significance of this variant is currently unknown. Algorithms developed to predict the effect of sequence changes on RNA splicing suggest that this variant may create or strengthen a splice site. In summary, the available evidence is currently insufficient to determine the role of this variant in disease. Therefore, it has been classified as a Variant of Uncertain Significance.

NM_025137.4(SPG11):c.6508_6510del (p.Asn2170del)

Gene: SPG11 (SPG11 vesicle trafficking associated, spatacsin; minus strand). Cytogenetic location: 15q21.1.
Variant type: Deletion.
Coding change: c.6508_6510del on transcript NM_025137.4 (MANE Select); coding-DNA positions 6508 to 6510, 3 bases deleted (AAC; older notation c.6508_6510delAAC).
Protein change: p.Asn2170del; deletes asparagine 2170.
Molecular consequence: inframe deletion.
Genome position (GRCh38, 1-based): chr15:44,569,473-44,569,475, GTT deleted on the plus strand (AAC on the coding strand, the reverse complement: SPG11 is on the minus strand); deleting any 3 consecutive bases within chr15:44,569,473-44,569,477 gives the same sequence; the c. name uses the placement nearest the transcript's 3' end. VCF-style (leftmost placement, unchanged base first): chr15-44569472-CGTT-C. GRCh37 (hg19) VCF-style: chr15-44861670-CGTT-C.
Other names: p.Asn2170del; c.6169_6171del, p.Asn2057del (NM_001160227.2); short protein forms N2170del, N2057del.
Identifiers: ClinVar variation 406522 (VCV000406522.7), dbSNP rs757237014, ClinGen allele CA7534090.
Genomic context (GRCh38, chr15:44,569,472, plus strand): 5'-TCCTCATTAGCACTTCAAAGTAGTGCTTTTTATGCAGCAAATCAAATATGTATGTCATCT[CGTT>C]GTACCTTCCAATGCCAGTGAGGAGCCGTACCTGTGAAGTGGGAGGACAGCTCGCATCAGC-3'